The following is an entry in ClinVar:

NM_001927.4(DES):c.1156C>T (p.Arg386Cys)

Gene: DES (desmin; plus strand). Cytogenetic location: 2q35.
Variant type: single nucleotide variant.
Coding change: c.1156C>T on transcript NM_001927.4 (MANE Select); coding-DNA position 1156, C replaced by T.
Protein change: p.Arg386Cys; replaces arginine 386 with cysteine.
Molecular consequence: missense variant. On other transcripts: intron variant (1).
Genome position (GRCh38, 1-based): chr2:219,421,472, C>T. VCF-style: chr2-219421472-C-T. GRCh37 (hg19) VCF-style: chr2-220286194-C-T.
Other names: c.1153C>T, p.Arg385Cys (NM_001382708.1); c.1087C>T, p.Arg363Cys (NM_001382710.1); c.1135C>T, p.Arg379Cys (NM_001382711.1); c.1156C>T, p.Arg386Cys (NM_001382712.1); c.886C>T, p.Arg296Cys (NM_001382713.1); c.736-12C>T (NM_001382709.1); c.1156C>T (NM_001927.3); short protein forms R296C, R379C, R385C, R363C, R386C.
Identifiers: ClinVar variation 1367061 (VCV001367061.7), dbSNP rs369765867, ClinGen allele CA2125249.

ClinVar aggregate classification (germline): Uncertain significance. Review status: criteria provided, multiple submitters, no conflicts (2 of 4 stars). 2 submissions from 2 submitters: Uncertain significance (2). Last evaluated 2025-08-29.

Conditions:
Cardiovascular phenotype. Identifiers: MedGen CN230736.
Desmin-related myofibrillar myopathy (MFM1). Also called: Desminopathy; Desmin related myopathy (former name); Desmin storage myopathy (former name); MYOFIBRILLAR MYOPATHY WITH ARRHYTHMOGENIC RIGHT VENTRICULAR CARDIOMYOPATHY; DESMIN-RELATED MYOPATHY WITH ARRHYTHMOGENIC RIGHT VENTRICULAR CARDIOMYOPATHY; Myofibrillar myopathy 1. Identifiers: Orphanet 363543, Orphanet 98909, MedGen C1832370, MONDO:0011076, OMIM 601419.

Allele frequency attached by ClinVar (database versions not stated): gnomAD 0.00001; gnomAD exomes 0.00001; ExAC 0.00002; ESP Exome Variant Server 0.00008.

Submissions (2):

Labcorp Genetics (formerly Invitae), Labcorp
Classification: Uncertain significance for Desmin-related myofibrillar myopathy. Last evaluated: 2025-08-29. Review status: criteria provided, single submitter. Criteria: Invitae Variant Classification Sherloc (09022015). Collection method: clinical testing. Allele origin: germline.
Comment: This sequence change replaces arginine, which is basic and polar, with cysteine, which is neutral and slightly polar, at codon 386 of the DES protein (p.Arg386Cys). This variant is present in population databases (rs369765867, gnomAD 0.007%). This variant has not been reported in the literature in individuals affected with DES-related conditions. ClinVar contains an entry for this variant (Variation ID: 1367061). Invitae Evidence Modeling of protein sequence and biophysical properties (such as structural, functional, and spatial information, amino acid conservation, physicochemical variation, residue mobility, and thermodynamic stability) indicates that this missense variant is expected to disrupt DES protein function with a positive predictive value of 95%. In summary, the available evidence is currently insufficient to determine the role of this variant in disease. Therefore, it has been classified as a Variant of Uncertain Significance.

Ambry Genetics
Classification: Uncertain significance for Cardiovascular phenotype. Last evaluated: 2024-01-13. Review status: criteria provided, single submitter. Criteria: Ambry Variant Classification Scheme 2023. Collection method: clinical testing. Allele origin: germline.
Comment: The p.R386C variant (also known as c.1156C>T), located in coding exon 6 of the DES gene, results from a C to T substitution at nucleotide position 1156. The arginine at codon 386 is replaced by cysteine, an amino acid with highly dissimilar properties. This amino acid position is conserved. In addition, this alteration is predicted to be deleterious by in silico analysis. Since supporting evidence is limited at this time, the clinical significance of this alteration remains unclear.